The following is an entry in ClinVar:

ClinVar aggregate classification (germline): Uncertain significance (1 of 4 stars; one submission).

Allele frequency attached by ClinVar (database versions not stated): gnomAD exomes 0.00001; TOPMed 0.00003; gnomAD 0.00004.

Submission:

GeneDx
Classification: Uncertain significance. Last evaluated: 2023-08-18. Review status: criteria provided, single submitter. Criteria: GeneDx Variant Classification Process June 2021. Collection method: clinical testing. Allele origin: germline. Affected: yes.
Comment: Not observed at significant frequency in large population cohorts (gnomAD); In silico analysis supports that this missense variant does not alter protein structure/function; Has not been previously published as pathogenic or benign to our knowledge

NM_001009944.3(PKD1):c.883G>A (p.Ala295Thr)

Gene: PKD1 (polycystin 1, transient receptor potential channel interacting; minus strand). Cytogenetic location: 16p13.3.
Variant type: single nucleotide variant.
Coding change: c.883G>A on transcript NM_001009944.3 (MANE Select); coding-DNA position 883, G replaced by A.
Protein change: p.Ala295Thr; replaces alanine 295 with threonine.
Molecular consequence: missense variant.
Genome position (GRCh38, 1-based): chr16:2,118,109, C>T on the plus strand (G>A on the coding strand, the complement: PKD1 is on the minus strand). VCF-style: chr16-2118109-C-T. GRCh37 (hg19) VCF-style: chr16-2168110-C-T.
Other names: c.883G>A, p.Ala295Thr (NM_000296.4); short protein forms A295T.
Identifiers: ClinVar variation 2579974 (VCV002579974.1), dbSNP rs1436960334, ClinGen allele CA394393910.
Genomic context (GRCh38, chr16:2,118,109, plus strand): 5'-CCACCTCGGCGGAGCCGTCTCCGAAGTCCCAGCGTGTGGCAGTGACAGGGAGCGGGGCAG[C>T]GATGTGGAAGGCTGCTAGCTGGCCAGAGGCCAGAGGTCCGTGGGGCCCCACCAGGGTGGC-3'
Protein context (NP_001009944.3, residues 285-305): ASGQLAAFHI[Ala295Thr]APLPVTATRW